The following is an entry in ClinVar:

NM_171998.4(RAB39B):c.402_403del (p.Arg135fs)

Gene: RAB39B (RAB39B, member RAS oncogene family; minus strand). Cytogenetic location: Xq28.
Variant type: Deletion.
Coding change: c.402_403del on transcript NM_171998.4 (MANE Select); coding-DNA positions 402 to 403, 2 bases deleted (TC; older notation c.402_403delTC).
Protein change: p.Arg135fs; shifts the reading frame from arginine 135.
Molecular consequence: frameshift variant.
Genome position (GRCh38, 1-based): chrX:155,261,042-155,261,043, GA deleted on the plus strand (TC on the coding strand, the reverse complement: RAB39B is on the minus strand); deleting any 2 consecutive bases within chrX:155,261,042-155,261,044 gives the same sequence; the c. name uses the placement nearest the transcript's 3' end. VCF-style (leftmost placement, unchanged base first): chrX-155261041-CGA-C. GRCh37 (hg19) VCF-style: chrX-154490326-CGA-C.
Other names: short protein forms R135fs.
Identifiers: ClinVar variation 3775166 (VCV003775166.1).
Genomic context (GRCh38, chrX:155,261,041, plus strand): 5'-CGGGCTGACGTTTCAATGTACTTCATGCCGTATGCAGCAGCCAGTTTCTCGGCCTCGTGG[CGA>C]GTCACTTGCCTCTGTGTATCCAGGTCACACTTGTGACCCACCAGAACAAATACAATTTGG-3'

ClinVar aggregate classification (germline): Uncertain significance (1 of 4 stars; one submission).

Conditions:
Intellectual developmental disorder, X-linked 72. Also called: Intellectual disability, X-linked 72. Identifiers: Orphanet 777, MedGen C1846038, MONDO:0010289, OMIM 300271.
Early-onset parkinsonism-intellectual disability syndrome (WSMN). Also called: BASAL GANGLION DISORDER WITH MENTAL RETARDATION; X-linked recessive basal ganglia disorder with mental retardation; Laxova Brown Hogan syndrome; Basal ganglia disorder with mental retardation. Identifiers: Orphanet 2379, MedGen C0796195, MONDO:0010709, OMIM 311510.

Submission:

Institute of Human Genetics, University of Goettingen
Classification: Uncertain significance for Intellectual developmental disorder, X-linked 72; Early-onset parkinsonism-intellectual disability syndrome. Last evaluated: 2024-08-01. Review status: criteria provided, single submitter. Criteria: ACMG Guidelines, 2015. Collection method: clinical testing. Allele origin: unknown. Inheritance: X-linked recessive inheritance. Affected: yes. Observed: 1 hemizygote.
Comment: The variant c.402_403del (p.(Arg135Profs*16)) in exon 2 of the RAB39B-gene is not found in the gnomAD database. The variation generates a 'Frameshift' as coding effect. The frameshift starts at codon Arg135. The new reading frame ends in a STOP codon at position 16. ACMG criteria used for classification: PVS1_str, PM2_sup.